The following is an entry in ClinVar:

NM_003560.4(PLA2G6):c.1077+5G>A

Gene: PLA2G6 (phospholipase A2 group VI; minus strand). Cytogenetic location: 22q13.1.
Variant type: single nucleotide variant.
Coding change: c.1077+5G>A on transcript NM_003560.4 (MANE Select); 5 bases into the intron after coding-DNA position 1077, G replaced by A.
Molecular consequence: intron variant.
Genome position (GRCh38, 1-based): chr22:38,132,826, C>T on the plus strand (G>A on the coding strand, the complement: PLA2G6 is on the minus strand). VCF-style: chr22-38132826-C-T. GRCh37 (hg19) VCF-style: chr22-38528833-C-T.
Other names: c.399+5G>A (NM_001349868.2); c.1077+5G>A (NM_001349866.2, NM_001199562.3, NM_001349865.2 and 2 more transcripts); c.543+5G>A (NM_001349869.2, NM_001349867.2).
Identifiers: ClinVar variation 3897459 (VCV003897459.1).

ClinVar aggregate classification (germline): Uncertain significance (1 of 4 stars; one submission).

gnomAD v4.1: 2 of 1,543,944 alleles (0.00013%); highest among the groups gnomAD compares: South Asian, 0.0024%; no homozygotes.

Submission:

GeneDx
Classification: Uncertain significance. Last evaluated: 2024-10-31. Review status: criteria provided, single submitter. Criteria: GeneDx Variant Classification Process June 2021. Collection method: clinical testing. Allele origin: germline. Affected: yes.
Comment: Intronic +5 splice site variant in a gene for which loss of function is a known mechanism of disease, and both splice predictors and evolutionary conservation support a deleterious effect, although in the absence of functional evidence the actual effect of this sequence change is unknown.; Not observed at significant frequency in large population cohorts (gnomAD); Has not been previously published as pathogenic or benign to our knowledge